The following is an entry in ClinVar:

ClinVar aggregate classification (germline): Benign/Likely benign. Review status: criteria provided, multiple submitters, no conflicts (2 of 4 stars). 3 submissions from 2 submitters: Benign (2); Likely benign (1). Last evaluated 2018-01-13.

Conditions:
Familial hyperinsulinism. Also called: Congenital hyperinsulinism. Identifiers: Orphanet 276525, MedGen C3888018, MONDO:0017182. Disease mechanism: loss of function.
Maturity-onset diabetes of the young (MODY). Also called: Maturity onset diabetes mellitus in young. Identifiers: Orphanet 552, MedGen C0342276, MONDO:0018911, HP:0004904.
Maturity-onset diabetes of the young type 1. Also called: MILD JUVENILE DIABETES MELLITUS; MODY, type I; MODY type 1; Diabetes mellitus MODY type 1; MODY HNF4A related; HNF4A-Related Maturity-Onset Diabetes of the Young Type 1. Identifiers: Orphanet 552, MedGen C1852093, MONDO:0007452, OMIM 125850. Disease mechanism: loss of function.

Allele frequency attached by ClinVar (database versions not stated): gnomAD 0.00010 and 0.00005; 1000 Genomes Project 30x 0.00047; TOPMed 0.00007; 1000 Genomes Project 0.00060.

Submissions (3):

Illumina Laboratory Services, Illumina
Classification: Benign for Maturity-onset diabetes of the young type 1. Last evaluated: 2018-01-13. Review status: criteria provided, single submitter. Criteria: ICSL Variant Classification Criteria 13 December 2019. Collection method: clinical testing. Allele origin: germline.
Comment: This variant was observed in the ICSL laboratory as part of a predisposition screen in an ostensibly healthy population. It had not been previously curated by ICSL or reported in the Human Gene Mutation Database (HGMD: prior to June 1st, 2018), and was therefore a candidate for classification through an automated scoring system. Utilizing variant allele frequency, disease prevalence and penetrance estimates, and inheritance mode, an automated score was calculated to assess if this variant is too frequent to cause the disease. Based on the score and internal cut-off values, a variant classified as benign is not then subjected to further curation. The score for this variant resulted in a classification of benign for this disease.

Illumina Laboratory Services, Illumina
Classification: Likely benign for Familial hyperinsulinism. Last evaluated: 2018-01-13. Review status: criteria provided, single submitter. Criteria: ICSL Variant Classification Criteria 13 December 2019. Collection method: clinical testing. Allele origin: germline.
Comment: This variant was observed in the ICSL laboratory as part of a predisposition screen in an ostensibly healthy population. It had not been previously curated by ICSL or reported in the Human Gene Mutation Database (HGMD: prior to June 1st, 2018), and was therefore a candidate for classification through an automated scoring system. Utilizing variant allele frequency, disease prevalence and penetrance estimates, and inheritance mode, an automated score was calculated to assess if this variant is too frequent to cause the disease. Based on the score and internal cut-off values, a variant classified as likely benign is not then subjected to further curation. The score for this variant resulted in a classification of likely benign for this disease.

Clinical Genomics, Uppaluri K&H Personalized Medicine Clinic
Classification: Benign for Maturity-onset diabetes of the young. Review status: criteria provided, single submitter. Criteria: K & H Uppaluri Personalized Medicine Clinic Variant Classification & Assertion Criteria_Updated V.1. Collection method: research. Allele origin: unknown. Inheritance: Autosomal dominant inheritance.
Comment: Potent mutations in HNF4A are associated with poor insulin secretion in response to hyperglycemia. Associated with MODY1. Patients initially respond well to sulfonylureas but eventually become insulin dependent. However, more evidence is required to ascertain the role of this particular variant rs138556808 in MODY, yet.

Literature cited by the submitters: DOI 10.1159/000334532 (cited by Clinical Genomics, Uppaluri K&H Personalized Medicine Clinic); PubMed 18268044 (cited by Clinical Genomics, Uppaluri K&H Personalized Medicine Clinic); PubMed 17563455 (cited by Clinical Genomics, Uppaluri K&H Personalized Medicine Clinic); PubMed 32583173 (cited by Clinical Genomics, Uppaluri K&H Personalized Medicine Clinic); PubMed 35052457 (cited by Clinical Genomics, Uppaluri K&H Personalized Medicine Clinic); PubMed 35118593 (cited by Clinical Genomics, Uppaluri K&H Personalized Medicine Clinic).

NM_175914.5(HNF4A):c.*2182G>A

Gene: HNF4A (hepatocyte nuclear factor 4 alpha; plus strand). Cytogenetic location: 20q13.12.
Variant type: single nucleotide variant.
Coding change: c.*2182G>A on transcript NM_175914.5 (MANE Select); 2182 bases downstream of the stop codon, G replaced by A.
Molecular consequence: 3 prime UTR variant.
Genome position (GRCh38, 1-based): chr20:44,431,847, G>A. VCF-style: chr20-44431847-G-A. GRCh37 (hg19) VCF-style: chr20-43060487-G-A.
Other names: c.*2182G>A (NM_000457.6, NM_001030003.3, NM_001258355.2 and 3 more transcripts).
Identifiers: ClinVar variation 338467 (VCV000338467.6), dbSNP rs138556808, ClinGen allele CA10643910.